The following is an entry in ClinVar:

ClinVar aggregate classification (germline): Conflicting classifications of pathogenicity. Review status: no assertion criteria provided (0 of 4 stars). 2 submissions from 2 submitters: Uncertain significance (1); Likely benign (1). Last evaluated 2017-03-31.

Conditions:
Hurler syndrome. Also called: MUCOPOLYSACCHARIDOSIS TYPE IH; Gargoylism, Hurler Syndrome; Severe MPS I (Hurler Syndrome). Identifiers: Orphanet 93473, MedGen C0086795, MONDO:0011758, OMIM 607014.

Allele frequency attached by ClinVar (database versions not stated): gnomAD exomes 0.00003; gnomAD 0.00001; TOPMed 0.00004; ExAC 0.00005.
gnomAD v4.1: 23 of 1,585,190 alleles (0.0015%); highest among the groups gnomAD compares: South Asian, 0.0034%; no homozygotes.

Submissions (2):

Counsyl
Classification: Likely benign for Hurler syndrome. Last evaluated: 2017-03-31. Review status: no assertion criteria provided. Collection method: clinical testing. Allele origin: unknown.

Martin Pollak Laboratory,  Beth Israel Deaconess Medical Center
Classification: Uncertain significance. Review status: no assertion criteria provided. Collection method: not provided. Allele origin: unknown.
Comment: Lower UCa2+ group
ClinVar note: Converted during submission from unknown to Uncertain significance.

NM_000203.5(IDUA):c.299+1104G>A

Genes: SLC26A1 (solute carrier family 26 member 1; minus strand), IDUA (alpha-L-iduronidase; plus strand). Cytogenetic location: 4p16.3.
Variant type: single nucleotide variant.
Coding change: c.299+1104G>A on transcript NM_000203.5 (MANE Select); 1104 bases into the intron after coding-DNA position 299, G replaced by A.
Molecular consequence: intron variant. On other transcripts: missense variant (2).
Genome position (GRCh38, 1-based): chr4:989,053, G>A. VCF-style: chr4-989053-G-A. GRCh37 (hg19) VCF-style: chr4-982841-G-A.
Other names: c.1886C>T, p.Thr629Met (NM_022042.4, NM_213613.4); c.576+2075C>T (NM_134425.4); short protein forms T629M.
Identifiers: ClinVar variation 64587 (VCV000064587.4), dbSNP rs387907484, ClinGen allele CA216457.